The following is an entry in ClinVar:

ClinVar aggregate classification (germline): Uncertain significance. Review status: criteria provided, multiple submitters, no conflicts (2 of 4 stars). 2 submissions from 2 submitters: Uncertain significance (2). Last evaluated 2025-01-15.

Allele frequency attached by ClinVar (database versions not stated): gnomAD exomes below 0.00001.
gnomAD v4.1: 1 of 1,609,102 alleles (0.000062%); highest among the groups gnomAD compares: Non-Finnish European, 0.000085%; no homozygotes.

Submissions (2):

Ambry Genetics
Classification: Uncertain significance. Last evaluated: 2025-01-15. Review status: criteria provided, single submitter. Criteria: Ambry Variant Classification Scheme 2023. Collection method: clinical testing. Allele origin: germline.

Labcorp Genetics (formerly Invitae), Labcorp
Classification: Uncertain significance. Last evaluated: 2021-08-22. Review status: criteria provided, single submitter. Criteria: Invitae Variant Classification Sherloc (09022015). Collection method: clinical testing. Allele origin: germline.
Comment: In summary, the available evidence is currently insufficient to determine the role of this variant in disease. Therefore, it has been classified as a Variant of Uncertain Significance. Algorithms developed to predict the effect of missense changes on protein structure and function (SIFT, PolyPhen-2, Align-GVGD) all suggest that this variant is likely to be tolerated. This variant has not been reported in the literature in individuals affected with IL12RB2-related conditions. This variant is not present in population databases (ExAC no frequency). This sequence change replaces aspartic acid with alanine at codon 798 of the IL12RB2 protein (p.Asp798Ala). The aspartic acid residue is weakly conserved and there is a moderate physicochemical difference between aspartic acid and alanine.

NM_001374259.2(IL12RB2):c.2393A>C (p.Asp798Ala)

Gene: IL12RB2 (interleukin 12 receptor subunit beta 2; plus strand). Cytogenetic location: 1p31.3.
Variant type: single nucleotide variant.
Coding change: c.2393A>C on transcript NM_001374259.2 (MANE Select); coding-DNA position 2393, A replaced by C.
Protein change: p.Asp798Ala; replaces aspartic acid 798 with alanine.
Molecular consequence: missense variant. On other transcripts: 3 prime UTR variant (3), non-coding transcript variant (2).
Genome position (GRCh38, 1-based): chr1:67,395,893, A>C. VCF-style: chr1-67395893-A-C. GRCh37 (hg19) VCF-style: chr1-67861576-A-C.
Other names: c.2393A>C (NM_001559.2); c.*313A>C (NM_001258214.1, NM_001319233.1); c.2135A>C, p.Asp712Ala (NM_001258215.1); c.*294A>C (NM_001258216.1); c.2393A>C, p.Asp798Ala (NM_001559.3); short protein forms D712A, D798A.
Identifiers: ClinVar variation 1515113 (VCV001515113.7), dbSNP rs2100360867, ClinGen allele CA340735509.